The following is an entry in ClinVar:

ClinVar aggregate classification (germline): Uncertain significance (1 of 4 stars; one submission).

Conditions:
Hyperaldosteronism, familial, type IV (HALD4). Also called: FH IV; ALDOSTERONISM, PRIMARY, AND HYPERTENSION. Identifiers: Orphanet 642671, MedGen C4310756, MONDO:0014875, OMIM 617027.
Idiopathic generalized epilepsy. Also called: EIG; Generalised epilepsy. Identifiers: MedGen C0270850, MONDO:0005579, OMIM 600669.

gnomAD v4.1: 1 of 1,555,806 alleles (0.000064%); highest among the groups gnomAD compares: Non-Finnish European, 0.000087%; no homozygotes.

Submission:

Labcorp Genetics (formerly Invitae), Labcorp
Classification: Uncertain significance for Idiopathic generalized epilepsy; Hyperaldosteronism, familial, type IV. Last evaluated: 2024-10-31. Review status: criteria provided, single submitter. Criteria: Invitae Variant Classification Sherloc (09022015). Collection method: clinical testing. Allele origin: germline.
Comment: This sequence change replaces alanine, which is neutral and non-polar, with glycine, which is neutral and non-polar, at codon 390 of the CACNA1H protein (p.Ala390Gly). This variant is not present in population databases (gnomAD no frequency). This variant has not been reported in the literature in individuals affected with CACNA1H-related conditions. Invitae Evidence Modeling of protein sequence and biophysical properties (such as structural, functional, and spatial information, amino acid conservation, physicochemical variation, residue mobility, and thermodynamic stability) indicates that this missense variant is not expected to disrupt CACNA1H protein function with a negative predictive value of 80%. In summary, the available evidence is currently insufficient to determine the role of this variant in disease. Therefore, it has been classified as a Variant of Uncertain Significance.

NM_021098.3(CACNA1H):c.1169C>G (p.Ala390Gly)

Gene: CACNA1H (calcium voltage-gated channel subunit alpha1 H; plus strand). Cytogenetic location: 16p13.3.
Variant type: single nucleotide variant.
Coding change: c.1169C>G on transcript NM_021098.3 (MANE Select); coding-DNA position 1169, C replaced by G.
Protein change: p.Ala390Gly; replaces alanine 390 with glycine.
Molecular consequence: missense variant.
Genome position (GRCh38, 1-based): chr16:1,200,765, C>G. VCF-style: chr16-1200765-C-G. GRCh37 (hg19) VCF-style: chr16-1250765-C-G.
Other names: c.1169C>G, p.Ala390Gly (NM_001005407.2); short protein forms A390G.
Identifiers: ClinVar variation 3755354 (VCV003755354.2).